The following is an entry in ClinVar:

NM_018847.4(KLHL9):c.785C>G (p.Thr262Arg)

Gene: KLHL9 (kelch like family member 9; minus strand). Cytogenetic location: 9p21.3.
Variant type: single nucleotide variant.
Coding change: c.785C>G on transcript NM_018847.4 (MANE Select); coding-DNA position 785, C replaced by G.
Protein change: p.Thr262Arg; replaces threonine 262 with arginine.
Molecular consequence: missense variant.
Genome position (GRCh38, 1-based): chr9:21,334,075, G>C on the plus strand (C>G on the coding strand, the complement: KLHL9 is on the minus strand). VCF-style: chr9-21334075-G-C. GRCh37 (hg19) VCF-style: chr9-21334074-G-C.
Other names: short protein forms T262R.
Identifiers: ClinVar variation 1474444 (VCV001474444.8), dbSNP rs149732449, ClinGen allele CA5010598.

ClinVar aggregate classification (germline): Uncertain significance (1 of 4 stars; one submission).

Allele frequency attached by ClinVar (database versions not stated): gnomAD exomes below 0.00001 and 0.00002; ExAC 0.00002; ESP Exome Variant Server 0.00008; gnomAD 0.00010 and 0.00011; TOPMed 0.00010.
gnomAD v4.1: 23 of 1,614,096 alleles (0.0014%); highest among the groups gnomAD compares: African/African-American, 0.023%; no homozygotes.

Submission:

Labcorp Genetics (formerly Invitae), Labcorp
Classification: Uncertain significance. Last evaluated: 2025-10-02. Review status: criteria provided, single submitter. Criteria: Invitae Variant Classification Sherloc (09022015). Collection method: clinical testing. Allele origin: germline.
Comment: This sequence change replaces threonine, which is neutral and polar, with arginine, which is basic and polar, at codon 262 of the KLHL9 protein (p.Thr262Arg). This variant is present in population databases (rs149732449, gnomAD 0.01%). This variant has not been reported in the literature in individuals affected with KLHL9-related conditions. ClinVar contains an entry for this variant (Variation ID: 1474444). Invitae Evidence Modeling of protein sequence and biophysical properties (such as structural, functional, and spatial information, amino acid conservation, physicochemical variation, residue mobility, and thermodynamic stability) indicates that this missense variant is not expected to disrupt KLHL9 protein function with a negative predictive value of 80%. In summary, the available evidence is currently insufficient to determine the role of this variant in disease. Therefore, it has been classified as a Variant of Uncertain Significance.